The following is an entry in ClinVar:

NM_001163435.3(TBCK):c.2363dup (p.Ser789fs)

Gene: TBCK (TBC1 domain containing kinase; minus strand). Cytogenetic location: 4q24.
Variant type: Duplication.
Coding change: c.2363dup on transcript NM_001163435.3 (MANE Select); coding-DNA position 2363, one base duplicated (A; older notation c.2363dupA).
Protein change: p.Ser789fs; shifts the reading frame from serine 789.
Molecular consequence: frameshift variant.
Genome position (GRCh38, 1-based): chr4:106,116,251, T duplicated on the plus strand (A on the coding strand, the reverse complement: TBCK is on the minus strand); the first of 3 consecutive T bases (chr4:106,116,251-106,116,253); duplicating any one gives the same sequence. VCF-style (leftmost placement, unchanged base first): chr4-106116250-C-CT. GRCh37 (hg19) VCF-style: chr4-107037407-C-CT.
Other names: c.2363dup, p.Ser789fs (NM_001163436.4); c.2246dup, p.Ser750fs (NM_001163437.3); c.1847dup, p.Ser617fs (NM_001290768.2); c.2174dup, p.Ser726fs (NM_033115.5); c.2363dupA (NM_001163435.3); short protein forms S617fs, S726fs, S750fs, S789fs.
Identifiers: ClinVar variation 3896136 (VCV003896136.2).
Genomic context (GRCh38, chr4:106,116,250, plus strand): 5'-ATGCAAAGGATACTCTTCACTATTCCGGATGTCAACCACCAGGAGCTTTGGTTTACTGGA[C>CT]TTTGTTTTCTTGCTGGGTGTTTTGAAGTGGCCTGTCACTGTGAGCTCACACAAGTCAATC-3'

ClinVar aggregate classification (germline): Pathogenic (1 of 4 stars; one submission).

Conditions:
Hypotonia, infantile, with psychomotor retardation and characteristic facies 3 (IHPRF3). Also called: TBCK-Related Neurodevelopmental Disorder. Identifiers: Orphanet 488632, MedGen C5567480, MONDO:0014823, OMIM 616900.

Submission:

Women's Health and Genetics/Laboratory Corporation of America, LabCorp
Classification: Pathogenic for Hypotonia, infantile, with psychomotor retardation and characteristic facies 3. Last evaluated: 2025-04-22. Review status: criteria provided, single submitter. Criteria: LabCorp Variant Classification Summary - May 2015. Collection method: clinical testing. Allele origin: germline.
Comment: Variant summary: TBCK c.2363dupA (p.Ser789ValfsX3) results in a premature termination codon, predicted to cause a truncation of the encoded protein or absence of the protein due to nonsense mediated decay, which are commonly known mechanisms for disease. The variant was absent in 251476 control chromosomes (gnomAD). To our knowledge, no occurrence of c.2363dupA in individuals affected with Hypotonia, Infantile, With Psychomotor Retardation And Characteristic Facies 3 and no experimental evidence demonstrating its impact on protein function have been reported. No submitters have cited clinical-significance assessments for this variant to ClinVar. Based on the evidence outlined above, the variant was classified as pathogenic.